The following is an entry in ClinVar:

ClinVar aggregate classification (germline): Pathogenic (3 of 4 stars; one submission).

Conditions:
Breast-ovarian cancer, familial, susceptibility to, 1 (BROVCA1). Also called: BRCA1 Hereditary Breast and Ovarian Cancer; OVARIAN CANCER, SUSCEPTIBILITY TO. Identifiers: Orphanet 145, MedGen C2676676, MONDO:0011450, OMIM 604370. Disease mechanism: loss of function.

Submission:

Evidence-based Network for the Interpretation of Germline Mutant Alleles (ENIGMA)
Classification: Pathogenic for Breast-ovarian cancer, familial, susceptibility to, 1. Last evaluated: 2017-12-15. Review status: reviewed by expert panel. Criteria: ENIGMA BRCA1/2 Classification Criteria (2017-06-29). Collection method: curation. Allele origin: germline. Study: ENIGMA.
Comment: Variant allele predicted to encode a truncated non-functional protein.

NM_007294.4(BRCA1):c.2660_2661insA (p.His888fs)

Gene: BRCA1 (BRCA1 DNA repair associated; minus strand). Cytogenetic location: 17q21.31.
Variant type: Insertion.
Coding change: c.2660_2661insA on transcript NM_007294.4 (MANE Select); coding-DNA positions 2660 to 2661, A inserted.
Protein change: p.His888fs; shifts the reading frame from histidine 888.
Molecular consequence: frameshift variant. On other transcripts: intron variant (137).
Genome position: GRCh38 VCF-style: chr17-43092870-G-GT. GRCh37 (hg19) VCF-style: chr17-41244887-G-GT.
Other names: c.2660_2661insA, p.His888fs (NM_001407625.1, NM_001407626.1, NM_001407639.1 and 30 more transcripts); c.2657_2658insA, p.His887fs (NM_001407637.1, NM_001407638.1, NM_001407644.1 and 22 more transcripts); c.2582_2583insA, p.His862fs (NM_001407658.1, NM_001407663.1, NM_001407653.1 and 4 more transcripts); c.2579_2580insA, p.His861fs (NM_001407659.1, NM_001407660.1, NM_001407661.1 and 1 more transcripts); c.2537_2538insA, p.His847fs (NM_001407664.1, NM_001407665.1, NM_001407676.1 and 19 more transcripts); c.2519_2520insA, p.His841fs (NM_001407695.1, NM_001407696.1, NM_001407697.1 and 29 more transcripts); c.2516_2517insA, p.His840fs (NM_001407740.1, NM_001407741.1, NM_001407742.1 and 20 more transcripts); c.2456_2457insA, p.His820fs (NM_001407874.1, NM_001407875.1); and 41 more; short protein forms H888fs, H841fs, H760fs, H777fs, H817fs, H820fs, H761fs, H800fs.
Identifiers: ClinVar variation 548216 (VCV000548216.2), dbSNP rs1555589195, ClinGen allele CA658823995.
Genomic context (GRCh38, chr17:43,092,870, plus strand): 5'-TTCCTTTTGTTCACATTCAAAAGTGACTTTTGGACTTTGTTTCTTTAAGGACCCAGAGTG[G>GT]GCAGAGAATGTTGCACATTCCTCTTCTGCATTTCCTGGATTTGAAAACGGAGCAAATGAC-3'